The following is an entry in ClinVar:

NM_207361.6(FREM2):c.7520-6_7520-2del

Gene: FREM2 (FRAS1 related extracellular matrix 2; plus strand). Cytogenetic location: 13q13.3.
Variant type: Deletion.
Coding change: c.7520-6_7520-2del on transcript NM_207361.6 (MANE Select); 6 bases into the intron before coding-DNA position 7520 through the canonical splice acceptor site of the intron before coding-DNA position 7520, 5 bases deleted (TTCAA; older notation c.7520-6_7520-2delTTCAA).
Molecular consequence: splice acceptor variant.
Genome position (GRCh38, 1-based): chr13:38,861,425-38,861,429, TTCAA deleted. VCF-style (leftmost placement, unchanged base first): chr13-38861424-TTTCAA-T. GRCh37 (hg19) VCF-style: chr13-39435561-TTTCAA-T.
Identifiers: ClinVar variation 2698465 (VCV002698465.3), dbSNP rs2541497232, ClinGen allele CA2697551817.

ClinVar aggregate classification (germline): Likely pathogenic (1 of 4 stars; one submission).

Submission:

Labcorp Genetics (formerly Invitae), Labcorp
Classification: Likely pathogenic. Last evaluated: 2023-12-23. Review status: criteria provided, single submitter. Criteria: Invitae Variant Classification Sherloc (09022015). Collection method: clinical testing. Allele origin: germline.
Comment: This sequence change affects a splice site in intron 14 of the FREM2 gene. It is expected to disrupt RNA splicing. Variants that disrupt the donor or acceptor splice site typically lead to a loss of protein function (PMID: 16199547), and loss-of-function variants in FREM2 are known to be pathogenic (PMID: 18203166, 26552811). This variant is not present in population databases (gnomAD no frequency). This variant has not been reported in the literature in individuals affected with FREM2-related conditions. Algorithms developed to predict the effect of sequence changes on RNA splicing suggest that this variant may disrupt the consensus splice site. In summary, the currently available evidence indicates that the variant is pathogenic, but additional data are needed to prove that conclusively. Therefore, this variant has been classified as Likely Pathogenic.

Literature cited by the submitters: PubMed 16199547; PubMed 18203166; PubMed 26552811.